The following is an entry in ClinVar:

NM_000557.5(GDF5):c.1068T>A (p.Asn356Lys)

Genes: GDF5 (growth differentiation factor 5; minus strand), GDF5-AS1 (GDF5 antisense RNA 1; plus strand). Cytogenetic location: 20q11.22.
Variant type: single nucleotide variant.
Coding change: c.1068T>A on transcript NM_000557.5 (MANE Select); coding-DNA position 1068, T replaced by A.
Protein change: p.Asn356Lys; replaces asparagine 356 with lysine.
Molecular consequence: missense variant. On other transcripts: non-coding transcript variant (1).
Genome position (GRCh38, 1-based): chr20:35,434,347, A>T on the plus strand (T>A on the coding strand, the complement: GDF5 is on the minus strand). VCF-style: chr20-35434347-A-T. GRCh37 (hg19) VCF-style: chr20-34022145-A-T.
Other names: c.1068T>A, p.Asn356Lys (NM_001319138.2); c.1068T>A (NM_000557.2); short protein forms N356K.
Identifiers: ClinVar variation 1416392 (VCV001416392.9), dbSNP rs200950438, ClinGen allele CA9832173.

ClinVar aggregate classification (germline): Uncertain significance. Review status: criteria provided, multiple submitters, no conflicts (2 of 4 stars). 2 submissions from 2 submitters: Uncertain significance (2). Last evaluated 2025-08-20.

Conditions:
Inborn genetic diseases. Identifiers: MedGen C0950123, MeSH D030342.

gnomAD v4.1: 19 of 1,611,688 alleles (0.0012%); highest among the groups gnomAD compares: Non-Finnish European, 0.0015%; no homozygotes.

Submissions (2):

Ambry Genetics
Classification: Uncertain significance for Inborn genetic diseases. Last evaluated: 2025-08-20. Review status: criteria provided, single submitter. Criteria: Ambry Variant Classification Scheme 2023. Collection method: clinical testing. Allele origin: germline.

Labcorp Genetics (formerly Invitae), Labcorp
Classification: Uncertain significance. Last evaluated: 2024-10-22. Review status: criteria provided, single submitter. Criteria: Invitae Variant Classification Sherloc (09022015). Collection method: clinical testing. Allele origin: germline.
Comment: This sequence change replaces asparagine, which is neutral and polar, with lysine, which is basic and polar, at codon 356 of the GDF5 protein (p.Asn356Lys). This variant is present in population databases (rs200950438, gnomAD 0.0009%). This variant has not been reported in the literature in individuals affected with GDF5-related conditions. ClinVar contains an entry for this variant (Variation ID: 1416392). Invitae Evidence Modeling of protein sequence and biophysical properties (such as structural, functional, and spatial information, amino acid conservation, physicochemical variation, residue mobility, and thermodynamic stability) indicates that this missense variant is not expected to disrupt GDF5 protein function with a negative predictive value of 80%. In summary, the available evidence is currently insufficient to determine the role of this variant in disease. Therefore, it has been classified as a Variant of Uncertain Significance.